The following is an entry in ClinVar:

ClinVar aggregate classification (germline): Conflicting classifications of pathogenicity. Review status: criteria provided, conflicting classifications (1 of 4 stars). 4 submissions from 4 submitters: Uncertain significance (3); Likely benign (1). Last evaluated 2025-01-10.

Allele frequency attached by ClinVar (database versions not stated): ExAC 0.00005; gnomAD 0.00015 and 0.00014; TOPMed 0.00018; gnomAD exomes 0.00006; ESP Exome Variant Server 0.00015.
gnomAD v4.1: 52 of 1,614,096 alleles (0.0032%); highest among the groups gnomAD compares: African/African-American, 0.057%; no homozygotes.

Submissions (4):

GeneDx
Classification: Uncertain significance. Last evaluated: 2025-01-10. Review status: criteria provided, single submitter. Criteria: GeneDx Variant Classification Process June 2021. Collection method: clinical testing. Allele origin: germline. Affected: yes.
Comment: In silico analysis indicates that this missense variant does not alter protein structure/function; Has not been previously published as pathogenic or benign to our knowledge

Ambry Genetics
Classification: Uncertain significance. Last evaluated: 2024-05-16. Review status: criteria provided, single submitter. Criteria: Ambry Variant Classification Scheme 2023. Collection method: clinical testing. Allele origin: germline.

Labcorp Genetics (formerly Invitae), Labcorp
Classification: Uncertain significance. Last evaluated: 2021-07-09. Review status: criteria provided, single submitter. Criteria: Invitae Variant Classification Sherloc (09022015). Collection method: clinical testing. Allele origin: germline.
Comment: This sequence change replaces tyrosine with serine at codon 42 of the SERPINB6 protein (p.Tyr42Ser). The tyrosine residue is weakly conserved and there is a large physicochemical difference between tyrosine and serine. In summary, the available evidence is currently insufficient to determine the role of this variant in disease. Therefore, it has been classified as a Variant of Uncertain Significance. Algorithms developed to predict the effect of missense changes on protein structure and function (SIFT, PolyPhen-2, Align-GVGD) all suggest that this variant is likely to be tolerated, but these predictions have not been confirmed by published functional studies and their clinical significance is uncertain. This variant has not been reported in the literature in individuals with SERPINB6-related conditions. ClinVar contains an entry for this variant (Variation ID: 165195). This variant is present in population databases (rs147962494, ExAC 0.05%).

Laboratory for Molecular Medicine, Mass General Brigham Personalized Medicine
Classification: Likely benign. Last evaluated: 2013-10-04. Review status: criteria provided, single submitter. Criteria: LMM Criteria. Collection method: clinical testing. Allele origin: germline. Observed: 2 variant alleles.
Comment: Tyr42Ser in Exon 3 of SERPINB6: This variant is not expected to have clinical si gnificance because the tyrosine (Tyr) residue at position 42 is not conserved th rough species, with bushbaby and sloth having a serine (Ser) at this position. T his variant has been identified in 0.05% (2/4406) of African American chromosome s by the NHLBI Exome Sequencing Project (dbSN P rs147962494).

NM_004568.6(SERPINB6):c.125A>C (p.Tyr42Ser)

Gene: SERPINB6 (serpin family B member 6; minus strand). Cytogenetic location: 6p25.2.
Variant type: single nucleotide variant.
Coding change: c.125A>C on transcript NM_004568.6 (MANE Select); coding-DNA position 125, A replaced by C.
Protein change: p.Tyr42Ser; replaces tyrosine 42 with serine.
Molecular consequence: missense variant. On other transcripts: non-coding transcript variant (1), intron variant (1).
Genome position (GRCh38, 1-based): chr6:2,959,208, T>G on the plus strand (A>C on the coding strand, the complement: SERPINB6 is on the minus strand). VCF-style: chr6-2959208-T-G. GRCh37 (hg19) VCF-style: chr6-2959442-T-G.
Other names: c.137A>C, p.Tyr46Ser (NM_001195291.3, NM_001374515.1); c.167A>C, p.Tyr56Ser (NM_001271822.2); c.182A>C, p.Tyr61Ser (NM_001271823.2); c.125A>C, p.Tyr42Ser (NM_001271824.2, NM_001271825.2, NM_001297699.2 and 2 more transcripts); c.34-3538A>C (NM_001374517.1); short protein forms Y46S, Y61S, Y42S, Y56S.
Identifiers: ClinVar variation 165195 (VCV000165195.16), dbSNP rs147962494, ClinGen allele CA177917.
Genomic context (GRCh38, chr6:2,959,208, plus strand): 5'-TGGCTGCCCTGAAGCTGTACCTGGGCCATCTGTGCAGCGGTGTTTCCCTTTGCCCCCATG[T>G]AGACCATGGCCAGGGCACAGGACATGCTCATGGGTGAGAAAAACACATTCTTCGAGTTGT-3'
Protein context (NP_004559.4, residues 32-52): MSMSCALAMV[Tyr42Ser]MGAKGNTAAQ